The following is an entry in ClinVar:

NM_001032283.3(TMPO):c.565+2070G>C

Gene: TMPO (thymopoietin; plus strand). Cytogenetic location: 12q23.1.
Variant type: single nucleotide variant.
Coding change: c.565+2070G>C on transcript NM_001032283.3 (MANE Select); 2070 bases into the intron after coding-DNA position 565, G replaced by C.
Molecular consequence: intron variant. On other transcripts: missense variant (1).
Genome position (GRCh38, 1-based): chr12:98,533,908, G>C. VCF-style: chr12-98533908-G-C. GRCh37 (hg19) VCF-style: chr12-98927686-G-C.
Other names: c.1651G>C, p.Gly551Arg (NM_003276.2); c.565+2070G>C (NM_001307975.2, NM_001032284.3); short protein forms G551R.
Identifiers: ClinVar variation 3327277 (VCV003327277.1).

ClinVar aggregate classification (germline): Uncertain significance (1 of 4 stars; one submission).

gnomAD v4.1: 1 of 1,614,020 alleles (0.000062%); highest among the groups gnomAD compares: African/African-American, 0.0013%; no homozygotes.

Submission:

Ambry Genetics
Classification: Uncertain significance. Last evaluated: 2024-06-22. Review status: criteria provided, single submitter. Criteria: Ambry Variant Classification Scheme 2023. Collection method: clinical testing. Allele origin: germline.
Comment: The p.G551R variant (also known as c.1651G>C), located in coding exon 4 of the TMPO gene, results from a G to C substitution at nucleotide position 1651. The glycine at codon 551 is replaced by arginine, an amino acid with dissimilar properties. This amino acid position is conserved. In addition, this alteration is predicted to be tolerated by in silico analysis. Based on the available evidence, the clinical significance of this variant remains unclear.